The following is an entry in ClinVar:

ClinVar aggregate classification (germline): Likely benign (1 of 4 stars; one submission).

Submission:

GeneDx
Classification: Likely benign. Last evaluated: 2021-05-10. Review status: criteria provided, single submitter. Criteria: GeneDx Variant Classification Process June 2021. Collection method: clinical testing. Allele origin: germline. Affected: yes.
Comment: See Variant Classification Assertion Criteria.

NM_003742.4(ABCB11):c.1197+180_1197+193del

Gene: ABCB11 (ATP binding cassette subfamily B member 11; minus strand). Cytogenetic location: 2q31.1.
Variant type: Deletion.
Coding change: c.1197+180_1197+193del on transcript NM_003742.4 (MANE Select); bases 180 to 193 of the intron after coding-DNA position 1197, 14 bases deleted (TTTTTTTTTTTTTT).
Molecular consequence: intron variant.
Genome position (GRCh38, 1-based): chr2:168,979,673-168,979,686, AAAAAAAAAAAAAA deleted on the plus strand (TTTTTTTTTTTTTT on the coding strand, the reverse complement: ABCB11 is on the minus strand); deleting any 14 consecutive bases within chr2:168,979,673-168,979,699 gives the same sequence; the c. name uses the placement nearest the transcript's 3' end. VCF-style (leftmost placement, unchanged base first): chr2-168979672-CAAAAAAAAAAAAAA-C. GRCh37 (hg19) VCF-style: chr2-169836182-CAAAAAAAAAAAAAA-C.
Identifiers: ClinVar variation 1693353 (VCV001693353.2), dbSNP rs55859131, ClinGen allele CA537527229.
Genomic context (GRCh38, chr2:168,979,672, plus strand): 5'-CAGTGAGCCGAGATTGTGCCACTGCACTCCAGCCTGGGCAACAAGAGCGAAACTCCATCT[CAAAAAAAAAAAAAA>C]AAAAAAAAAAAAAGAATTGGCACCAGCACATGATAGCATTTAATAAGTGTTGCTGAATTA-3'